The following is an entry in ClinVar:

ClinVar aggregate classification (germline): Conflicting classifications of pathogenicity. Review status: criteria provided, conflicting classifications (1 of 4 stars). 3 submissions from 3 submitters: Uncertain significance (1); Likely benign (1). 1 of the submissions does not count toward it. Last evaluated 2026-01-07.

Conditions:
GREB1L-related disorder. Also called: GREB1L-related condition.

Allele frequency attached by ClinVar (database versions not stated): ExAC 0.00014; TOPMed 0.00025; gnomAD 0.00030; gnomAD exomes 0.00038.
gnomAD v4.1: 567 of 1,551,346 alleles (0.037%); highest among the groups gnomAD compares: Non-Finnish European, 0.047%; no homozygotes.

Submissions (3):

Labcorp Genetics (formerly Invitae), Labcorp
Classification: Uncertain significance. Last evaluated: 2026-01-07. Review status: criteria provided, single submitter. Criteria: Invitae Variant Classification Sherloc (09022015). Collection method: clinical testing. Allele origin: germline.
Comment: This sequence change replaces cysteine, which is neutral and slightly polar, with tryptophan, which is neutral and slightly polar, at codon 426 of the GREB1L protein (p.Cys426Trp). This variant is present in population databases (rs200509926, gnomAD 0.05%), and has an allele count higher than expected for a pathogenic variant. This variant has not been reported in the literature in individuals affected with GREB1L-related conditions. ClinVar contains an entry for this variant (Variation ID: 3049898). An algorithm developed to predict the effect of missense changes on protein structure and function (PolyPhen-2) suggests that this variant is likely to be disruptive. In summary, the available evidence is currently insufficient to determine the role of this variant in disease. Therefore, it has been classified as a Variant of Uncertain Significance.

Blueprint Genetics
Classification: Likely benign. Last evaluated: 2024-10-02. Review status: criteria provided, single submitter. Criteria: ACMG Guidelines, 2015. Collection method: clinical testing. Allele origin: germline.

PreventionGenetics, part of Exact Sciences
Classification: Likely benign for GREB1L-related condition. Last evaluated: 2023-09-03. Review status: no assertion criteria provided. Collection method: clinical testing. Allele origin: germline. Not counted in ClinVar's aggregate classification.
Comment: This variant is classified as likely benign based on ACMG/AMP sequence variant interpretation guidelines (Richards et al. 2015 PMID: 25741868, with internal and published modifications).

NM_001142966.3(GREB1L):c.1278C>G (p.Cys426Trp)

Genes: GREB1L (GREB1 like retinoic acid receptor coactivator; plus strand), GREB1L-AS1 (GREB1L antisense RNA 1; minus strand). Cytogenetic location: 18q11.1.
Variant type: single nucleotide variant.
Coding change: c.1278C>G on transcript NM_001142966.3 (MANE Select); coding-DNA position 1278, C replaced by G.
Protein change: p.Cys426Trp; replaces cysteine 426 with tryptophan.
Molecular consequence: missense variant.
Genome position (GRCh38, 1-based): chr18:21,444,294, C>G. VCF-style: chr18-21444294-C-G. GRCh37 (hg19) VCF-style: chr18-19024255-C-G.
Other names: c.1407C>G, p.Cys469Trp (NM_001410867.1); c.1278C>G, p.Cys426Trp (NM_001410868.1); short protein forms C426W, C469W.
Identifiers: ClinVar variation 3049898 (VCV003049898.5), dbSNP rs200509926, ClinGen allele CA8906391.
Genomic context (GRCh38, chr18:21,444,294, plus strand): 5'-TTTACCCTATTTCTATGGAAATGTTGGTGACATTGTTGTGAGTCCTCTGCTGGTGAATTG[C>G]TACAAGATTCCACAGTTGGAAAACAAAGATTTGGAAAAATTAGGGTTGACCGGCAGCCAA-3'
Protein context (NP_001136438.1, residues 416-436): DIVVSPLLVN[Cys426Trp]YKIPQLENKD